The following is an entry in ClinVar:

NM_006030.4(CACNA2D2):c.124C>T (p.Arg42Cys)

Gene: CACNA2D2 (calcium voltage-gated channel auxiliary subunit alpha2delta 2; minus strand). Cytogenetic location: 3p21.31.
Variant type: single nucleotide variant.
Coding change: c.124C>T on transcript NM_006030.4 (MANE Select); coding-DNA position 124, C replaced by T.
Protein change: p.Arg42Cys; replaces arginine 42 with cysteine.
Molecular consequence: missense variant. On other transcripts: intron variant (1).
Genome position (GRCh38, 1-based): chr3:50,503,300, G>A on the plus strand (C>T on the coding strand, the complement: CACNA2D2 is on the minus strand). VCF-style: chr3-50503300-G-A. GRCh37 (hg19) VCF-style: chr3-50540731-G-A.
Other names: c.124C>T, p.Arg42Cys (NM_001005505.3, NM_001174051.3); c.-2+769C>T (NM_001291101.1); short protein forms R42C.
Identifiers: ClinVar variation 934415 (VCV000934415.7), dbSNP rs1190193195, ClinGen allele CA353000330.

ClinVar aggregate classification (germline): Uncertain significance (1 of 4 stars; one submission).

Conditions:
Early-infantile DEE. Also called: Early infantile epileptic encephalopathy; Early infantile epileptic encephalopathy with suppression bursts; Ohtahara syndrome. Identifiers: Orphanet 1934, MedGen C0393706, MONDO:0800491.

Allele frequency attached by ClinVar (database versions not stated): TOPMed below 0.00001; gnomAD exomes 0.00001.
gnomAD v4.1: 13 of 983,038 alleles (0.0013%); highest among the groups gnomAD compares: Non-Finnish European, 0.0012%; no homozygotes.

Submission:

Labcorp Genetics (formerly Invitae), Labcorp
Classification: Uncertain significance for Early-infantile DEE. Last evaluated: 2021-09-15. Review status: criteria provided, single submitter. Criteria: Invitae Variant Classification Sherloc (09022015). Collection method: clinical testing. Allele origin: germline.
Comment: This sequence change replaces arginine with cysteine at codon 42 of the CACNA2D2 protein (p.Arg42Cys). The arginine residue is weakly conserved and there is a large physicochemical difference between arginine and cysteine. The frequency data for this variant in the population databases is considered unreliable, as metrics indicate insufficient coverage at this position in the ExAC database. This variant has not been reported in the literature in individuals affected with CACNA2D2-related conditions. In summary, the available evidence is currently insufficient to determine the role of this variant in disease. Therefore, it has been classified as a Variant of Uncertain Significance.